The following is an entry in ClinVar:

ClinVar aggregate classification (germline): Uncertain significance. Review status: criteria provided, multiple submitters, no conflicts (2 of 4 stars). 3 submissions from 3 submitters: Uncertain significance (3). Last evaluated 2025-12-10.

Conditions:
Hereditary cancer-predisposing syndrome. Also called: Neoplastic Syndromes, Hereditary; Tumor predisposition; Hereditary neoplastic syndrome; Hereditary Cancer Syndrome. Identifiers: Orphanet 140162, MedGen C0027672, MeSH D009386, MONDO:0015356.

Allele frequency attached by ClinVar (database versions not stated): gnomAD exomes below 0.00001.
gnomAD v4.1: 1 of 1,612,262 alleles (0.000062%); highest among the groups gnomAD compares: Non-Finnish European, 0.000085%; no homozygotes.

Submissions (3):

Labcorp Genetics (formerly Invitae), Labcorp
Classification: Uncertain significance. Last evaluated: 2025-12-10. Review status: criteria provided, single submitter. Criteria: Invitae Variant Classification Sherloc (09022015). Collection method: clinical testing. Allele origin: germline.
Comment: This sequence change replaces glutamic acid, which is acidic and polar, with glutamine, which is neutral and polar, at codon 559 of the CTNNA1 protein (p.Glu559Gln). This variant is present in population databases (no rsID available, gnomAD 0.0009%). This variant has not been reported in the literature in individuals affected with CTNNA1-related conditions. ClinVar contains an entry for this variant (Variation ID: 642675). Invitae Evidence Modeling of protein sequence and biophysical properties (such as structural, functional, and spatial information, amino acid conservation, physicochemical variation, residue mobility, and thermodynamic stability) has been performed for this missense variant. However, the output from this modeling did not meet the statistical confidence thresholds required to predict the impact of this variant on CTNNA1 protein function. In summary, the available evidence is currently insufficient to determine the role of this variant in disease. Therefore, it has been classified as a Variant of Uncertain Significance.

GeneDx
Classification: Uncertain significance. Last evaluated: 2023-10-09. Review status: criteria provided, single submitter. Criteria: GeneDx Variant Classification Process June 2021. Collection method: clinical testing. Allele origin: germline. Affected: yes.
Comment: Not observed at significant frequency in large population cohorts (gnomAD); In silico analysis supports that this missense variant has a deleterious effect on protein structure/function; Observed in individuals referred for hereditary cancer multi-gene panel testing (Clark et al., 2020); This variant is associated with the following publications: (PMID: 32051609)

Ambry Genetics
Classification: Uncertain significance for Hereditary cancer-predisposing syndrome. Last evaluated: 2022-04-28. Review status: criteria provided, single submitter. Criteria: Ambry Variant Classification Scheme 2023. Collection method: clinical testing. Allele origin: germline.
Comment: The p.E559Q variant (also known as c.1675G>C), located in coding exon 11 of the CTNNA1 gene, results from a G to C substitution at nucleotide position 1675. The glutamic acid at codon 559 is replaced by glutamine, an amino acid with highly similar properties. In one study, this alteration was identified in 1/151,425 individuals who underwent multi-gene germline genetic testing and classified as a variant of uncertain significance by the authors (Clark DF et al. Genet Med, 2020 05;22:840-846). This amino acid position is highly conserved in available vertebrate species. In addition, this alteration is predicted to be deleterious by in silico analysis. The evidence for this gene-disease relationship is limited; therefore, the clinical significance of this alteration is unclear.

Literature cited by the submitters: PubMed 32051609 (cited by Ambry Genetics).

NM_001903.5(CTNNA1):c.1675G>C (p.Glu559Gln)

Gene: CTNNA1 (catenin alpha 1; plus strand). Cytogenetic location: 5q31.2.
Variant type: single nucleotide variant.
Coding change: c.1675G>C on transcript NM_001903.5 (MANE Select); coding-DNA position 1675, G replaced by C.
Protein change: p.Glu559Gln; replaces glutamic acid 559 with glutamine.
Molecular consequence: missense variant.
Genome position (GRCh38, 1-based): chr5:138,924,638, G>C. VCF-style: chr5-138924638-G-C. GRCh37 (hg19) VCF-style: chr5-138260327-G-C.
Other names: c.1675G>C, p.Glu559Gln (NM_001290307.3, NM_001323982.2, NM_001323983.1 and 2 more transcripts); c.1366G>C, p.Glu456Gln (NM_001290309.3); c.1306G>C, p.Glu436Gln (NM_001290310.3); c.565G>C, p.Glu189Gln (NM_001290312.1, NM_001323987.1, NM_001323988.1 and 17 more transcripts); c.1582G>C, p.Glu528Gln (NM_001323986.2); c.226G>C, p.Glu76Gln (NM_001324006.1, NM_001324007.1, NM_001324008.1 and 2 more transcripts); c.472G>C, p.Glu158Gln (NM_001324011.1); c.322G>C, p.Glu108Gln (NM_001324012.1, NM_001324013.1); short protein forms E436Q, E158Q, E189Q, E76Q, E108Q, E456Q, E528Q, E559Q.
Identifiers: ClinVar variation 642675 (VCV000642675.14), dbSNP rs1383466662, ClinGen allele CA361131946.